The following is an entry in ClinVar:

NM_000179.3(MSH6):c.2961T>C (p.Thr987=)

Gene: MSH6 (mutS homolog 6; plus strand). Cytogenetic location: 2p16.3.
Variant type: single nucleotide variant.
Coding change: c.2961T>C on transcript NM_000179.3 (MANE Select); coding-DNA position 2961, T replaced by C.
Protein change: p.Thr987=; no amino-acid change (threonine 987 retained).
Molecular consequence: synonymous variant.
Genome position (GRCh38, 1-based): chr2:47,800,944, T>C. VCF-style: chr2-47800944-T-C. GRCh37 (hg19) VCF-style: chr2-48028083-T-C.
Other names: c.2571T>C, p.Thr857= (NM_001281492.2); c.2055T>C, p.Thr685= (NM_001281493.2, NM_001281494.2).
Identifiers: ClinVar variation 743580 (VCV000743580.11), dbSNP rs1572729431, ClinGen allele CA426122088.

ClinVar aggregate classification (germline): Benign/Likely benign. Review status: criteria provided, multiple submitters, no conflicts (2 of 4 stars). 3 submissions from 3 submitters: Benign (1); Likely benign (2). Last evaluated 2025-01-02.

Conditions:
Lynch syndrome 5 (LYNCH5). Also called: Colorectal cancer, hereditary nonpolyposis, type 5; Hereditary non-polyposis colorectal cancer, type 5. Identifiers: Orphanet 144, MedGen C1833477, MONDO:0013710, OMIM 614350. Disease mechanism: loss of function.
Hereditary cancer-predisposing syndrome. Also called: Neoplastic Syndromes, Hereditary; Hereditary Cancer Syndrome; Tumor predisposition; Hereditary neoplastic syndrome. Identifiers: Orphanet 140162, MedGen C0027672, MeSH D009386, MONDO:0015356.
Hereditary nonpolyposis colorectal neoplasms. Identifiers: MedGen C0009405, MeSH D003123.

Submissions (3):

Myriad Genetics, Inc.
Classification: Benign for Lynch syndrome 5. Last evaluated: 2025-01-02. Review status: criteria provided, single submitter. Criteria: Myriad Autosomal Dominant, Autosomal Recessive and X-Linked Classification Criteria (2023). Collection method: clinical testing. Allele origin: unknown.
Comment: This variant is considered benign. This variant is a silent/synonymous amino acid change and it is not expected to impact splicing.

Labcorp Genetics (formerly Invitae), Labcorp
Classification: Likely benign for Hereditary nonpolyposis colorectal neoplasms. Last evaluated: 2024-05-22. Review status: criteria provided, single submitter. Criteria: Invitae Variant Classification Sherloc (09022015). Collection method: clinical testing. Allele origin: germline.

Ambry Genetics
Classification: Likely benign for Hereditary cancer-predisposing syndrome. Last evaluated: 2023-09-07. Review status: criteria provided, single submitter. Criteria: Ambry Variant Classification Scheme 2023. Collection method: clinical testing. Allele origin: germline.